The following is an entry in ClinVar:

ClinVar aggregate classification (germline): Uncertain significance (1 of 4 stars; one submission).

Allele frequency attached by ClinVar (database versions not stated): ExAC 0.00003; gnomAD 0.00003; TOPMed 0.00003; ESP Exome Variant Server 0.00008.
gnomAD v4.1: 77 of 1,614,038 alleles (0.0048%); highest among the groups gnomAD compares: Non-Finnish European, 0.0063%; no homozygotes.

Submission:

Labcorp Genetics (formerly Invitae), Labcorp
Classification: Uncertain significance. Last evaluated: 2022-12-15. Review status: criteria provided, single submitter. Criteria: Invitae Variant Classification Sherloc (09022015). Collection method: clinical testing. Allele origin: germline.
Comment: This sequence change replaces glycine, which is neutral and non-polar, with arginine, which is basic and polar, at codon 12 of the SLC36A2 protein (p.Gly12Arg). In summary, the available evidence is currently insufficient to determine the role of this variant in disease. Therefore, it has been classified as a Variant of Uncertain Significance. Algorithms developed to predict the effect of missense changes on protein structure and function (SIFT, PolyPhen-2, Align-GVGD) all suggest that this variant is likely to be tolerated. This variant has not been reported in the literature in individuals affected with SLC36A2-related conditions. This variant is present in population databases (rs377387746, gnomAD 0.008%).

NM_181776.3(SLC36A2):c.34G>C (p.Gly12Arg)

Genes: SLC36A1 (solute carrier family 36 member 1; plus strand), SLC36A2 (solute carrier family 36 member 2; minus strand). Cytogenetic location: 5q33.1.
Variant type: single nucleotide variant.
Coding change: c.34G>C on transcript NM_181776.3 (MANE Select); coding-DNA position 34, G replaced by C.
Protein change: p.Gly12Arg; replaces glycine 12 with arginine.
Molecular consequence: missense variant.
Genome position (GRCh38, 1-based): chr5:151,347,427, C>G on the plus strand (G>C on the coding strand, the complement: SLC36A2 is on the minus strand). VCF-style: chr5-151347427-C-G. GRCh37 (hg19) VCF-style: chr5-150726988-C-G.
Other names: short protein forms G12R.
Identifiers: ClinVar variation 2871450 (VCV002871450.3), dbSNP rs377387746, ClinGen allele CA3519046.
Genomic context (GRCh38, chr5:151,347,427, plus strand): 5'-TCTCCAACTTCTTGGCACTTTCAGGAGGCGACATAAGGTCCAATTTGATGGCAACGGCTC[C>G]CTGGGGACCCTCAGTACTTTTTGTCACAGACATGACTGCTTAAGAAACAAGGAGCTCGGG-3'
Protein context (NP_861441.2, residues 2-22): SVTKSTEGPQ[Gly12Arg]AVAIKLDLMS